The following is an entry in ClinVar:

NM_000046.5(ARSB):c.1438dup (p.Asp480fs)

Gene: ARSB (arylsulfatase B; minus strand). Cytogenetic location: 5q14.1.
Variant type: Duplication.
Coding change: c.1438dup on transcript NM_000046.5 (MANE Select); coding-DNA position 1438, one base duplicated (G; older notation c.1438dupG).
Protein change: p.Asp480fs; shifts the reading frame from aspartic acid 480.
Molecular consequence: frameshift variant.
Genome position (GRCh38, 1-based): chr5:78,780,561, C duplicated on the plus strand (G on the coding strand, the reverse complement: ARSB is on the minus strand); the first of 3 consecutive C bases (chr5:78,780,561-78,780,563); duplicating any one gives the same sequence. VCF-style (leftmost placement, unchanged base first): chr5-78780560-T-TC. GRCh37 (hg19) VCF-style: chr5-78076383-T-TC.
Other names: short protein forms D480fs.
Identifiers: ClinVar variation 647674 (VCV000647674.10), dbSNP rs1167459660, ClinGen allele CA445400514.
Genomic context (GRCh38, chr5:78,780,560, plus strand): 5'-GACAGGAGCTTTGTGACGATGTGAGGATATTCTCTGGACAGGTCATGTCTTTCTTCAGGG[T>TC]CCCGATCAATATCAAAGAGCCAGAGGGTCTTGGTTGGTGGGTCTGATGAGGGTATCTCAG-3'

ClinVar aggregate classification (germline): Conflicting classifications of pathogenicity. Review status: criteria provided, conflicting classifications (1 of 4 stars). 2 submissions from 2 submitters: Likely pathogenic (1); Uncertain significance (1). Last evaluated 2024-02-16.

Conditions:
Mucopolysaccharidosis type 6 (MPS6). Also called: N-ACETYLGALACTOSAMINE-4-SULFATASE DEFICIENCY; ARSB DEFICIENCY; ARYLSULFATASE B DEFICIENCY; MPS 6; Maroteaux Lamy syndrome; MPS VI. Identifiers: Orphanet 583, MedGen C0026709, MONDO:0009661, OMIM 253200.

Submissions (2):

Blueprint Genetics
Classification: Uncertain significance. Last evaluated: 2024-02-16. Review status: criteria provided, single submitter. Criteria: ACMG Guidelines, 2015. Collection method: clinical testing. Allele origin: germline.

Labcorp Genetics (formerly Invitae), Labcorp
Classification: Likely pathogenic for Mucopolysaccharidosis type 6. Last evaluated: 2018-11-14. Review status: criteria provided, single submitter. Criteria: Invitae Variant Classification Sherloc (09022015). Collection method: clinical testing. Allele origin: germline.
Comment: In summary, the currently available evidence indicates that the variant is pathogenic, but additional data are needed to prove that conclusively. Therefore, this variant has been classified as Likely Pathogenic. This variant disrupts the C-terminus of the ARSB protein. Other variant(s) that disrupt this region (p.Arg484Gly, p.Gln503*, p.Tyr513*) have been observed in affected individuals (PMID: 14974081, 10036316, 10923267). This suggests that this may be a clinically significant region of the protein. Experimental studies and prediction algorithms are not available for this variant, and the functional significance of the affected amino acid(s) is currently unknown. This variant has not been reported in the literature in individuals with ARSB-related disease. This variant is not present in population databases (ExAC no frequency). This sequence change results in a premature translational stop signal in the ARSB gene (p.Asp480Glyfs*3). While this is not anticipated to result in nonsense mediated decay, it is expected to disrupt the last 54 amino acids of the ARSB protein.

Literature cited by the submitters: PubMed 14974081 (cited by Labcorp Genetics (formerly Invitae), Labcorp); PubMed 10036316 (cited by Labcorp Genetics (formerly Invitae), Labcorp); PubMed 10923267 (cited by Labcorp Genetics (formerly Invitae), Labcorp).